The following is an entry in ClinVar:

ClinVar aggregate classification (germline): Uncertain significance (1 of 4 stars; one submission).

Allele frequency attached by ClinVar (database versions not stated): ExAC 0.00001.

Submission:

Labcorp Genetics (formerly Invitae), Labcorp
Classification: Uncertain significance. Last evaluated: 2022-08-09. Review status: criteria provided, single submitter. Criteria: Invitae Variant Classification Sherloc (09022015). Collection method: clinical testing. Allele origin: germline.
Comment: In summary, the available evidence is currently insufficient to determine the role of this variant in disease. Therefore, it has been classified as a Variant of Uncertain Significance. Algorithms developed to predict the effect of missense changes on protein structure and function are either unavailable or do not agree on the potential impact of this missense change (SIFT: "Not Available"; PolyPhen-2: "Possibly Damaging"; Align-GVGD: "Not Available"). This variant has not been reported in the literature in individuals affected with UNC119-related conditions. This variant is present in population databases (rs775564636, gnomAD 0.003%). This sequence change replaces serine, which is neutral and polar, with leucine, which is neutral and non-polar, at codon 98 of the UNC119 protein (p.Ser98Leu).

NM_005148.4(UNC119):c.293C>T (p.Ser98Leu)

Gene: UNC119 (unc-119 lipid binding chaperone; minus strand). Cytogenetic location: 17q11.2.
Variant type: single nucleotide variant.
Coding change: c.293C>T on transcript NM_005148.4 (MANE Select); coding-DNA position 293, C replaced by T.
Protein change: p.Ser98Leu; replaces serine 98 with leucine.
Molecular consequence: missense variant.
Genome position (GRCh38, 1-based): chr17:28,548,633, G>A on the plus strand (C>T on the coding strand, the complement: UNC119 is on the minus strand). VCF-style: chr17-28548633-G-A. GRCh37 (hg19) VCF-style: chr17-26875651-G-A.
Other names: c.8C>T, p.Ser3Leu (NM_001330166.2); c.293C>T, p.Ser98Leu (NM_054035.2); short protein forms S3L, S98L.
Identifiers: ClinVar variation 1715379 (VCV001715379.5), dbSNP rs775564636, ClinGen allele CA8459861.